The following is an entry in ClinVar:

ClinVar aggregate classification (germline): Pathogenic (1 of 4 stars; one submission).

Submission:

GeneDx
Classification: Pathogenic. Last evaluated: 2024-01-11. Review status: criteria provided, single submitter. Criteria: GeneDx Variant Classification Process June 2021. Collection method: clinical testing. Allele origin: germline. Affected: yes.
Comment: RT-PCR studies show that this variant induced out of frame skipping of exon 4 (PMID: 34906067); In silico analysis supports a deleterious effect on splicing; Not observed at significant frequency in large population cohorts (gnomAD); This variant is associated with the following publications: (PMID: 25525159, 34906067, 17334707, 34014569)

NM_000531.6(OTC):c.386+5G>A

Gene: OTC (ornithine transcarbamylase; plus strand). Cytogenetic location: Xp11.4.
Variant type: single nucleotide variant.
Coding change: c.386+5G>A on transcript NM_000531.6 (MANE Select); 5 bases into the intron after coding-DNA position 386, G replaced by A.
Molecular consequence: intron variant.
Genome position (GRCh38, 1-based): chrX:38,381,434, G>A. VCF-style: chrX-38381434-G-A. GRCh37 (hg19) VCF-style: chrX-38240687-G-A.
Other names: c.386+5G>A (NM_001407092.1).
Identifiers: ClinVar variation 3338845 (VCV003338845.1).
Genomic context (GRCh38, chrX:38,381,434, plus strand): 5'-CTTACCACACAAGATATTCATTTGGGTGTGAATGAAAGTCTCACGGACACGGCCCGGTTT[G>A]TAAATATTTTCTTCTCTCCAAAGCTGATTTCAGAATCTGATGGATAAATTTCAAAAATAA-3'